The following is an entry in ClinVar:

NM_003073.5(SMARCB1):c.557T>C (p.Leu186Pro)

Gene: SMARCB1 (SWI/SNF related BAF chromatin remodeling complex subunit B1; plus strand). Cytogenetic location: 22q11.23.
Variant type: single nucleotide variant.
Coding change: c.557T>C on transcript NM_003073.5 (MANE Select); coding-DNA position 557, T replaced by C.
Protein change: p.Leu186Pro; replaces leucine 186 with proline.
Molecular consequence: missense variant.
Genome position (GRCh38, 1-based): chr22:23,803,351, T>C. VCF-style: chr22-23803351-T-C. GRCh37 (hg19) VCF-style: chr22-24145538-T-C.
Other names: c.530T>C, p.Leu177Pro (NM_001007468.3); c.584T>C, p.Leu195Pro (NM_001317946.2); c.611T>C, p.Leu204Pro (NM_001362877.2); short protein forms L177P, L204P, L186P, L195P.
Identifiers: ClinVar variation 825840 (VCV000825840.11), dbSNP rs1601405018, ClinGen allele CA410935744.

ClinVar aggregate classification (germline): Uncertain significance. Review status: criteria provided, multiple submitters, no conflicts (2 of 4 stars). 2 submissions from 2 submitters: Uncertain significance (2). Last evaluated 2020-08-14.

Conditions:
Hereditary cancer-predisposing syndrome. Also called: Neoplastic Syndromes, Hereditary; Tumor predisposition; Hereditary neoplastic syndrome; Hereditary Cancer Syndrome. Identifiers: Orphanet 140162, MedGen C0027672, MeSH D009386, MONDO:0015356.

Submissions (2):

Labcorp Genetics (formerly Invitae), Labcorp
Classification: Uncertain significance. Last evaluated: 2020-08-14. Review status: criteria provided, single submitter. Criteria: Invitae Variant Classification Sherloc (09022015). Collection method: clinical testing. Allele origin: germline.
Comment: In summary, the available evidence is currently insufficient to determine the role of this variant in disease. Therefore, it has been classified as a Variant of Uncertain Significance. Algorithms developed to predict the effect of missense changes on protein structure and function (SIFT, PolyPhen-2, Align-GVGD) all suggest that this variant is likely to be disruptive, but these predictions have not been confirmed by published functional studies and their clinical significance is uncertain. This variant has not been reported in the literature in individuals with SMARCB1-related conditions. ClinVar contains an entry for this variant (Variation ID: 825840). This variant is not present in population databases (ExAC no frequency). This sequence change replaces leucine with proline at codon 186 of the SMARCB1 protein (p.Leu186Pro). The leucine residue is highly conserved and there is a moderate physicochemical difference between leucine and proline.

Ambry Genetics
Classification: Uncertain significance for Hereditary cancer-predisposing syndrome. Last evaluated: 2019-05-03. Review status: criteria provided, single submitter. Criteria: Ambry Variant Classification Scheme 2023. Collection method: clinical testing. Allele origin: germline.
Comment: The p.L186P variant (also known as c.557T>C), located in coding exon 5 of the SMARCB1 gene, results from a T to C substitution at nucleotide position 557. The leucine at codon 186 is replaced by proline, an amino acid with similar properties. This amino acid position is highly conserved in available vertebrate species. In addition, this alteration is predicted to be deleterious by in silico analysis. Since supporting evidence is limited at this time, the clinical significance of this alteration remains unclear.